The following is an entry in ClinVar:

ClinVar aggregate classification (germline): Uncertain significance (1 of 4 stars; one submission).

Conditions:
Hereditary cancer-predisposing syndrome. Also called: Hereditary Cancer Syndrome; Hereditary neoplastic syndrome; Neoplastic Syndromes, Hereditary; Tumor predisposition. Identifiers: Orphanet 140162, MedGen C0027672, MeSH D009386, MONDO:0015356.

Submission:

Ambry Genetics
Classification: Uncertain significance for Hereditary cancer-predisposing syndrome. Last evaluated: 2026-08-20. Review status: criteria provided, single submitter. Criteria: Ambry Variant Classification Scheme 2023. Collection method: clinical testing. Allele origin: germline.
Comment: The p.F845S variant (also known as c.2534T>C), located in coding exon 25 of the RB1 gene, results from a T to C substitution at nucleotide position 2534. The phenylalanine at codon 845 is replaced by serine, an amino acid with highly dissimilar properties. This amino acid position is highly conserved in available vertebrate species. In addition, this alteration is predicted to be deleterious by in silico analysis. Based on the available evidence, the clinical significance of this variant remains unclear.

NM_000321.3(RB1):c.2534T>C (p.Phe845Ser)

Gene: RB1 (RB transcriptional corepressor 1; plus strand). Cytogenetic location: 13q14.2.
Variant type: single nucleotide variant.
Coding change: c.2534T>C on transcript NM_000321.3 (MANE Select); coding-DNA position 2534, T replaced by C.
Protein change: p.Phe845Ser; replaces phenylalanine 845 with serine.
Molecular consequence: missense variant. On other transcripts: 5 prime UTR variant (1).
Genome position (GRCh38, 1-based): chr13:48,476,714, T>C. VCF-style: chr13-48476714-T-C. GRCh37 (hg19) VCF-style: chr13-49050850-T-C.
Other names: c.2534T>C, p.Phe845Ser (NM_001407165.1); c.-17T>C (NM_001407168.1); short protein forms F845S.
Identifiers: ClinVar variation 3943345 (VCV003943345.2).
Genomic context (GRCh38, chr13:48,476,714, plus strand): 5'-AACACTGGCATTTAATGATTTAAAGTAAAGAATTCTGTAATTTGTAGACTTCTGAGAAGT[T>C]CCAGAAAATAAATCAGATGGTATGTAACAGCGACCGTGTGCTCAAAAGAAGTGCTGAAGG-3'
Protein context (NP_000312.2, residues 835-855): IGESFGTSEK[Phe845Ser]QKINQMVCNS